The following is an entry in ClinVar:

NM_001267550.2(TTN):c.11775G>A (p.Val3925=)

Gene: TTN (titin; minus strand). Cytogenetic location: 2q31.2.
Variant type: single nucleotide variant.
Coding change: c.11775G>A on transcript NM_001267550.2 (MANE Select); coding-DNA position 11775, G replaced by A.
Protein change: p.Val3925=; no amino-acid change (valine 3925 retained).
Molecular consequence: synonymous variant. On other transcripts: intron variant (1).
Genome position (GRCh38, 1-based): chr2:178,741,458, C>T on the plus strand (G>A on the coding strand, the complement: TTN is on the minus strand). VCF-style: chr2-178741458-C-T. GRCh37 (hg19) VCF-style: chr2-179606185-C-T.
Other names: c.10824G>A, p.Val3608= (NM_001256850.1); c.10686G>A, p.Val3562= (NM_003319.4); c.11061G>A, p.Val3687= (NM_133432.3); c.11262G>A, p.Val3754= (NM_133437.4); c.10361-3098G>A (NM_133378.4).
Identifiers: ClinVar variation 1329108 (VCV001329108.12), dbSNP rs931107392, ClinGen allele CA60984668.

ClinVar aggregate classification (germline): Likely benign. Review status: criteria provided, multiple submitters, no conflicts (2 of 4 stars). 4 submissions from 4 submitters: Likely benign (4). Last evaluated 2025-04-09.

Conditions:
Dilated cardiomyopathy 1G (CMD1G). Identifiers: Orphanet 154, MedGen C1858763, MONDO:0011400, OMIM 604145.
Autosomal recessive limb-girdle muscular dystrophy type 2J (LGMDR10). Also called: Limb-girdle muscular dystrophy, type 2J; MUSCULAR DYSTROPHY, LIMB-GIRDLE, AUTOSOMAL RECESSIVE 10. Identifiers: Orphanet 140922, MedGen C1837342, MONDO:0012127, OMIM 608807.
Cardiovascular phenotype. Identifiers: MedGen CN230736.
Cardiomyopathy (CMYO). Also called: Cardiomyopathies. Identifiers: Orphanet 167848, MedGen C0878544, MONDO:0004994, HP:0001638. Inheritance: Various modes of inheritance.

Allele frequency attached by ClinVar (database versions not stated): gnomAD exomes 0.00001; TOPMed below 0.00001; gnomAD 0.00001.
gnomAD v4.1: 10 of 1,613,692 alleles (0.00062%); highest among the groups gnomAD compares: Middle Eastern, 0.082%; no homozygotes.

Submissions (4):

Molecular Diagnostic Laboratory for Inherited Cardiovascular Disease, Montreal Heart Institute
Classification: Likely benign. Last evaluated: 2025-04-09. Review status: criteria provided, single submitter. Criteria: ACMG Guidelines, 2015. Collection method: clinical testing. Allele origin: germline. Affected: no.
Comment: BP6;BP7

Labcorp Genetics (formerly Invitae), Labcorp
Classification: Likely benign for Dilated cardiomyopathy 1G; Autosomal recessive limb-girdle muscular dystrophy type 2J. Last evaluated: 2025-03-05. Review status: criteria provided, single submitter. Criteria: Invitae Variant Classification Sherloc (09022015). Collection method: clinical testing. Allele origin: germline.

Ambry Genetics
Classification: Likely benign for Cardiovascular phenotype. Last evaluated: 2021-10-06. Review status: criteria provided, single submitter. Criteria: Ambry Variant Classification Scheme 2023. Collection method: clinical testing. Allele origin: germline.

CHEO Genetics Diagnostic Laboratory, Children's Hospital of Eastern Ontario
Classification: Likely benign for Cardiomyopathy. Last evaluated: 2020-01-06. Review status: criteria provided, single submitter. Criteria: ACMG Guidelines, 2015. Collection method: clinical testing. Allele origin: germline.